The following is an entry in ClinVar:

ClinVar aggregate classification (germline): Pathogenic (1 of 4 stars; one submission).

Conditions:
DYRK1A-related intellectual disability syndrome (MRD7). Also called: Intellectual developmental disorder, autosomal dominant 7; DYRK1A Syndrome. Identifiers: Orphanet 464306, MedGen C5568143, MONDO:0013578, OMIM 614104.

Submission:

Variantyx, Inc.
Classification: Pathogenic for DYRK1A-related intellectual disability syndrome. Last evaluated: 2025-10-16. Review status: criteria provided, single submitter. Criteria: Variantyx Assertion Criteria 2022. Collection method: clinical testing. Allele origin: de novo. Inheritance: Autosomal dominant inheritance. Affected: yes.
Comment: This is a frameshift variant in the DYRK1A gene (OMIM: 600855). Pathogenic variants in this gene have been associated with autosomal dominant intellectual developmental disorder 7. The alteration introduces a premature termination codon in exon 7 out of 12 and is expected to result in loss of function, which is a known disease mechanism for DYRK1A in this disorder (PMID: 25707398) (PVS1). This variant is absent from control populations (PM2). Based on the current evidence, this variant is classified as pathogenic for autosomal dominant intellectual developmental disorder 7.

Literature cited by the submitters: PubMed 25707398.

NM_001347721.2(DYRK1A):c.759del (p.Arg254fs)

Gene: DYRK1A (dual specificity tyrosine phosphorylation regulated kinase 1A; plus strand). Cytogenetic location: 21q22.13.
Variant type: Deletion.
Coding change: c.759del on transcript NM_001347721.2 (MANE Select); coding-DNA position 759, one base deleted (A; older notation c.759delA).
Protein change: p.Arg254fs; shifts the reading frame from arginine 254.
Molecular consequence: frameshift variant.
Genome position (GRCh38, 1-based): chr21:37,490,296, A deleted. VCF-style (leftmost placement, unchanged base first): chr21-37490295-CA-C. GRCh37 (hg19) VCF-style: chr21-38862597-CA-C.
Other names: c.759del, p.Arg254fs (NM_001347722.2, NM_130436.2); c.672del, p.Arg225fs (NM_001347723.2); c.786del, p.Arg263fs (NM_001396.5, NM_101395.2, NM_130438.2); short protein forms R225fs, R254fs, R263fs.
Identifiers: ClinVar variation 4852220 (VCV004852220.1).